The following is an entry in ClinVar:

ClinVar aggregate classification (germline): Uncertain significance. Review status: criteria provided, multiple submitters, no conflicts (2 of 4 stars). 2 submissions from 2 submitters: Uncertain significance (2). Last evaluated 2026-07-06.

Conditions:
Hereditary cancer-predisposing syndrome. Also called: Tumor predisposition; Hereditary Cancer Syndrome; Hereditary neoplastic syndrome; Neoplastic Syndromes, Hereditary. Identifiers: Orphanet 140162, MedGen C0027672, MeSH D009386, MONDO:0015356.

Submissions (2):

Ambry Genetics
Classification: Uncertain significance for Hereditary cancer-predisposing syndrome. Last evaluated: 2026-07-06. Review status: criteria provided, single submitter. Criteria: Ambry Variant Classification Scheme 2023. Collection method: clinical testing. Allele origin: germline.
Comment: The p.G401C variant (also known as c.1201G>T), located in coding exon 10 of the PTCH1 gene, results from a G to T substitution at nucleotide position 1201. The glycine at codon 401 is replaced by cysteine, an amino acid with highly dissimilar properties. This amino acid position is conserved. In addition, this alteration is predicted to be deleterious by in silico analysis. Based on the available evidence, the clinical significance of this variant remains unclear.

GeneDx
Classification: Uncertain significance. Last evaluated: 2024-03-14. Review status: criteria provided, single submitter. Criteria: GeneDx Variant Classification Process June 2021. Collection method: clinical testing. Allele origin: germline. Affected: yes.
Comment: Not observed at significant frequency in large population cohorts (gnomAD); In silico analysis supports that this missense variant has a deleterious effect on protein structure/function; Has not been previously published as pathogenic or benign to our knowledge; This variant is associated with the following publications: (PMID: 11369205)

NM_000264.5(PTCH1):c.1399G>T (p.Gly467Cys)

Gene: PTCH1 (patched 1; minus strand). Cytogenetic location: 9q22.32.
Variant type: single nucleotide variant.
Coding change: c.1399G>T on transcript NM_000264.5 (MANE Select); coding-DNA position 1399, G replaced by T.
Protein change: p.Gly467Cys; replaces glycine 467 with cysteine.
Molecular consequence: missense variant. On other transcripts: non-coding transcript variant (1), intron variant (1).
Genome position (GRCh38, 1-based): chr9:95,477,651, C>A on the plus strand (G>T on the coding strand, the complement: PTCH1 is on the minus strand). VCF-style: chr9-95477651-C-A. GRCh37 (hg19) VCF-style: chr9-98239933-C-A.
Other names: c.1201G>T, p.Gly401Cys (NM_001083602.3); c.1396G>T, p.Gly466Cys (NM_001083603.3); c.946G>T, p.Gly316Cys (NM_001083604.3, NM_001083605.3, NM_001083606.3 and 1 more transcripts); c.1347+404G>T (NM_001354918.2); short protein forms G316C, G401C, G466C, G467C.
Identifiers: ClinVar variation 3371041 (VCV003371041.2).